The following is an entry in ClinVar:

NM_001267550.2(TTN):c.58858_58859del (p.Thr19620fs)

Genes: TTN (titin; minus strand), TTN-AS1 (TTN antisense RNA 1; plus strand). Cytogenetic location: 2q31.2.
Variant type: Deletion.
Coding change: c.58858_58859del on transcript NM_001267550.2 (MANE Select); coding-DNA positions 58858 to 58859, 2 bases deleted (AC; older notation c.58858_58859delAC).
Protein change: p.Thr19620fs; shifts the reading frame from threonine 19620.
Molecular consequence: frameshift variant.
Genome position (GRCh38, 1-based): chr2:178,593,349-178,593,350, GT deleted on the plus strand (AC on the coding strand, the reverse complement: TTN is on the minus strand). VCF-style (leftmost placement, unchanged base first): chr2-178593348-AGT-A. GRCh37 (hg19) VCF-style: chr2-179458075-AGT-A.
Other names: c.53935_53936del, p.Thr17979fs (NM_001256850.1); c.31663_31664del, p.Thr10555fs (NM_003319.4); c.51154_51155del, p.Thr17052fs (NM_133378.4); c.32038_32039del, p.Thr10680fs (NM_133432.3); c.32239_32240del, p.Thr10747fs (NM_133437.4); short protein forms T17052fs, T10680fs, T10555fs, T10747fs, T17979fs, T19620fs.
Identifiers: ClinVar variation 1523639 (VCV001523639.8), dbSNP rs2154186303, ClinGen allele CA2573133770.
Genomic context (GRCh38, chr2:178,593,348, plus strand): 5'-CCTAAATTTAGTGTATGGATGAATAGGATCTTTGGTAACTCTAGCCCATCGTTTAGACAT[AGT>A]TTCTCTCTTTTCCAGGATGTAGTTTGTGATGGGTTTTCCTCCATCATGTGGCTTATTCCA-3'

ClinVar aggregate classification (germline): Likely pathogenic (1 of 4 stars; one submission).

Conditions:
Dilated cardiomyopathy 1G (CMD1G). Identifiers: Orphanet 154, MedGen C1858763, MONDO:0011400, OMIM 604145.
Autosomal recessive limb-girdle muscular dystrophy type 2J (LGMDR10). Also called: Limb-girdle muscular dystrophy, type 2J; MUSCULAR DYSTROPHY, LIMB-GIRDLE, AUTOSOMAL RECESSIVE 10. Identifiers: Orphanet 140922, MedGen C1837342, MONDO:0012127, OMIM 608807.

Submission:

Labcorp Genetics (formerly Invitae), Labcorp
Classification: Likely pathogenic for Dilated cardiomyopathy 1G; Autosomal recessive limb-girdle muscular dystrophy type 2J. Last evaluated: 2021-03-23. Review status: criteria provided, single submitter. Criteria: Invitae Variant Classification Sherloc (09022015). Collection method: clinical testing. Allele origin: germline.
Comment: This sequence change creates a premature translational stop signal (p.Thr19620Tyrfs*3) in the TTN gene. While this is not anticipated to result in nonsense mediated decay, it is expected to create a truncated TTN protein. This variant is not present in population databases (ExAC no frequency). This variant has not been reported in the literature in individuals with TTN-related conditions. This variant is located in the A band of TTN (PMID: 25589632). Truncating variants in this region are significantly overrepresented in patients affected with dilated cardiomyopathy (PMID: 25589632). Truncating variants in this region have also been reported in individuals affected with autosomal recessive centronuclear myopathy (PMID: 23975875). In summary, the currently available evidence indicates that the variant is pathogenic, but additional data are needed to prove that conclusively. Therefore, this variant has been classified as Likely Pathogenic.

Literature cited by the submitters: PubMed 25589632; PubMed 23975875.